The following is an entry in ClinVar:

NM_004260.4(RECQL4):c.319C>G (p.Gln107Glu)

Gene: RECQL4 (RecQ like helicase 4; minus strand). Cytogenetic location: 8q24.3.
Variant type: single nucleotide variant.
Coding change: c.319C>G on transcript NM_004260.4 (MANE Select); coding-DNA position 319, C replaced by G.
Protein change: p.Gln107Glu; replaces glutamine 107 with glutamic acid.
Molecular consequence: missense variant. On other transcripts: 5 prime UTR variant (17), non-coding transcript variant (3).
Genome position (GRCh38, 1-based): chr8:144,517,085, G>C on the plus strand (C>G on the coding strand, the complement: RECQL4 is on the minus strand). VCF-style: chr8-144517085-G-C. GRCh37 (hg19) VCF-style: chr8-145742469-G-C.
Other names: c.-1022C>G (NM_001413043.1); c.-753C>G (NM_001413040.1, NM_001413042.1, NM_001413022.1 and 3 more transcripts); c.-815C>G (NM_001413041.1, NM_001413027.1, NM_001413030.1 and 1 more transcripts); c.319C>G, p.Gln107Glu (NM_001413017.1, NM_001413018.1, NM_001413019.1 and 5 more transcripts); c.-402C>G (NM_001413021.1); c.-650C>G (NM_001413024.1, NM_001413035.1); c.190C>G, p.Gln64Glu (NM_001413025.1); c.-478C>G (NM_001413028.1); and 2 more; short protein forms Q64E, Q107E.
Identifiers: ClinVar variation 4152405 (VCV004152405.1).
Genomic context (GRCh38, chr8:144,517,085, plus strand): 5'-GACTCACTGCCTGCCCACTCCTCACCTGCAGGGTGCCTTTCAGATTGGCCTTGAGCCGCT[G>C]CCCGTAGTCCGGCACCGAGCCCTGGCGGCTCCGCCCTGGCGTAGACTGTGGACTCTTGGT-3'
Protein context (NP_004251.4, residues 97-117): SRQGSVPDYG[Gln107Glu]RLKANLKGTL

ClinVar aggregate classification (germline): Uncertain significance (1 of 4 stars; one submission).

Conditions:
Inborn genetic diseases. Identifiers: MedGen C0950123, MeSH D030342.

Submission:

Ambry Genetics
Classification: Uncertain significance for Inborn genetic diseases. Last evaluated: 2025-08-02. Review status: criteria provided, single submitter. Criteria: Ambry Variant Classification Scheme 2023. Collection method: clinical testing. Allele origin: germline.
Comment: The p.Q107E variant (also known as c.319C>G), located in coding exon 4 of the RECQL4 gene, results from a C to G substitution at nucleotide position 319. The glutamine at codon 107 is replaced by glutamic acid, an amino acid with highly similar properties. This amino acid position is conserved. In addition, this alteration is predicted to be tolerated by in silico analysis. Based on the available evidence, the clinical significance of this variant remains unclear.